The following is an entry in ClinVar:

ClinVar aggregate classification (germline): Uncertain significance (1 of 4 stars; one submission).

Conditions:
Joubert syndrome 21 (JBTS21). Identifiers: MedGen C3810212, MONDO:0014288, OMIM 615636.

Submission:

Labcorp Genetics (formerly Invitae), Labcorp
Classification: Uncertain significance for Joubert syndrome 21. Last evaluated: 2024-03-04. Review status: criteria provided, single submitter. Criteria: Invitae Variant Classification Sherloc (09022015). Collection method: clinical testing. Allele origin: germline.
Comment: This sequence change replaces glutamic acid, which is acidic and polar, with lysine, which is basic and polar, at codon 620 of the CSPP1 protein (p.Glu620Lys). This variant is not present in population databases (gnomAD no frequency). This variant has not been reported in the literature in individuals affected with CSPP1-related conditions. ClinVar contains an entry for this variant (Variation ID: 1359953). An algorithm developed to predict the effect of missense changes on protein structure and function (PolyPhen-2) suggests that this variant is likely to be disruptive. In summary, the available evidence is currently insufficient to determine the role of this variant in disease. Therefore, it has been classified as a Variant of Uncertain Significance.

NM_001382391.1(CSPP1):c.1873G>A (p.Glu625Lys)

Gene: CSPP1 (centrosome and spindle pole associated protein 1; plus strand). Cytogenetic location: 8q13.2.
Variant type: single nucleotide variant.
Coding change: c.1873G>A on transcript NM_001382391.1 (MANE Select); coding-DNA position 1873, G replaced by A.
Protein change: p.Glu625Lys; replaces glutamic acid 625 with lysine.
Molecular consequence: missense variant.
Genome position (GRCh38, 1-based): chr8:67,137,501, G>A. VCF-style: chr8-67137501-G-A. GRCh37 (hg19) VCF-style: chr8-68049736-G-A.
Other names: c.976G>A, p.Glu326Lys (NM_001291339.2); c.1792G>A, p.Glu598Lys (NM_001363131.2); c.1831G>A, p.Glu611Lys (NM_001363132.2); c.1750G>A, p.Glu584Lys (NM_001363133.2); c.1939G>A, p.Glu647Lys (NM_001364869.1); c.1759G>A, p.Glu587Lys (NM_001364870.1); c.1858G>A, p.Glu620Lys (NM_024790.7); short protein forms E584K, E611K, E625K, E647K, E587K, E326K, E598K, E620K.
Identifiers: ClinVar variation 1359953 (VCV001359953.6), dbSNP rs2129555264, ClinGen allele CA371205444.